The following is an entry in ClinVar:

NM_005585.5(SMAD6):c.263G>T (p.Gly88Val)

Gene: SMAD6 (SMAD family member 6; plus strand). Cytogenetic location: 15q22.31.
Variant type: single nucleotide variant.
Coding change: c.263G>T on transcript NM_005585.5 (MANE Select); coding-DNA position 263, G replaced by T.
Protein change: p.Gly88Val; replaces glycine 88 with valine.
Molecular consequence: missense variant. On other transcripts: non-coding transcript variant (1).
Genome position (GRCh38, 1-based): chr15:66,703,521, G>T. VCF-style: chr15-66703521-G-T. GRCh37 (hg19) VCF-style: chr15-66995859-G-T.
Other names: short protein forms G88V.
Identifiers: ClinVar variation 2888723 (VCV002888723.3), dbSNP rs2545311158, ClinGen allele CA392949094.

ClinVar aggregate classification (germline): Uncertain significance (1 of 4 stars; one submission).

Conditions:
Aortic valve disease 2 (AOVD2). Identifiers: MedGen C3542024, MONDO:0013902, OMIM 614823.

gnomAD v4.1: 1 of 1,221,132 alleles (0.000082%); highest among the groups gnomAD compares: Non-Finnish European, 0.0001%; no homozygotes.

Submission:

Labcorp Genetics (formerly Invitae), Labcorp
Classification: Uncertain significance for Aortic valve disease 2. Last evaluated: 2023-04-23. Review status: criteria provided, single submitter. Criteria: Invitae Variant Classification Sherloc (09022015). Collection method: clinical testing. Allele origin: germline.
Comment: In summary, the available evidence is currently insufficient to determine the role of this variant in disease. Therefore, it has been classified as a Variant of Uncertain Significance. An algorithm developed to predict the effect of missense changes on protein structure and function (PolyPhen-2) suggests that this variant is likely to be disruptive. This variant has not been reported in the literature in individuals affected with SMAD6-related conditions. This variant is not present in population databases (gnomAD no frequency). This sequence change replaces glycine, which is neutral and non-polar, with valine, which is neutral and non-polar, at codon 88 of the SMAD6 protein (p.Gly88Val).